The following is an entry in ClinVar:

ClinVar aggregate classification (germline): Conflicting classifications of pathogenicity. Review status: criteria provided, conflicting classifications (1 of 4 stars). 5 submissions from 5 submitters: Uncertain significance (1); Likely benign (4). Last evaluated 2026-01-25.

Conditions:
NTRK1-related disorder. Also called: NTRK1-related condition.
Inborn genetic diseases. Identifiers: MedGen C0950123, MeSH D030342.
Hereditary insensitivity to pain with anhidrosis (CIPA). Also called: INSENSITIVITY TO PAIN, CONGENITAL, WITH ANHIDROSIS; NTRK1 Congenital Insensitivity to Pain with Anhidrosis; hereditary sensory and autonomic neuropathy type 4; HSAN Type IV; FAMILIAL DYSAUTONOMIA, TYPE II; NEUROPATHY, CONGENITAL SENSORY, WITH ANHIDROSIS. Identifiers: Orphanet 642, MedGen C0020074, MONDO:0009746, OMIM 256800.

Allele frequency attached by ClinVar (database versions not stated): gnomAD 0.00010 and 0.00020; TOPMed 0.00015; 1000 Genomes Project 0.00040; 1000 Genomes Project 30x 0.00047; gnomAD exomes 0.00051; ExAC 0.00095.
gnomAD v4.1: 410 of 1,550,778 alleles (0.026%); highest among the groups gnomAD compares: South Asian, 0.28%; 4 homozygotes.

Submissions (5):

Labcorp Genetics (formerly Invitae), Labcorp
Classification: Likely benign for Hereditary insensitivity to pain with anhidrosis. Last evaluated: 2026-01-25. Review status: criteria provided, single submitter. Criteria: Invitae Variant Classification Sherloc (09022015). Collection method: clinical testing. Allele origin: germline.

PreventionGenetics, part of Exact Sciences
Classification: Likely benign for NTRK1-related condition. Last evaluated: 2025-08-26. Review status: criteria provided, single submitter. Criteria: ACMG Guidelines, 2015. Collection method: clinical testing. Allele origin: germline.
Comment: This variant is classified as likely benign based on ACMG/AMP sequence variant interpretation guidelines (Richards et al. 2015 PMID: 25741868, with internal and published modifications).

GeneDx
Classification: Likely benign. Last evaluated: 2021-06-17. Review status: criteria provided, single submitter. Criteria: GeneDx Variant Classification Process June 2021. Collection method: clinical testing. Allele origin: germline. Affected: yes.

Ambry Genetics
Classification: Likely benign for Inborn genetic diseases. Last evaluated: 2019-07-11. Review status: criteria provided, single submitter. Criteria: Ambry Variant Classification Scheme 2023. Collection method: clinical testing. Allele origin: germline.

Illumina Laboratory Services, Illumina
Classification: Uncertain significance for Hereditary insensitivity to pain with anhidrosis. Last evaluated: 2018-01-13. Review status: criteria provided, single submitter. Criteria: ICSL Variant Classification Criteria 13 December 2019. Collection method: clinical testing. Allele origin: germline.

NM_002529.4(NTRK1):c.711G>A (p.Thr237=)

Gene: NTRK1 (neurotrophic receptor tyrosine kinase 1; plus strand). Cytogenetic location: 1q23.1.
Variant type: single nucleotide variant.
Coding change: c.711G>A on transcript NM_002529.4 (MANE Select); coding-DNA position 711, G replaced by A.
Protein change: p.Thr237=; no amino-acid change (threonine 237 retained).
Molecular consequence: synonymous variant.
Genome position (GRCh38, 1-based): chr1:156,868,641, G>A. VCF-style: chr1-156868641-G-A. GRCh37 (hg19) VCF-style: chr1-156838433-G-A.
Other names: c.621G>A, p.Thr207= (NM_001007792.1); c.711G>A, p.Thr237= (NM_001012331.2); c.711G>A (NM_002529.3).
Identifiers: ClinVar variation 514283 (VCV000514283.22), dbSNP rs537430475, ClinGen allele CA1169069.